The following is an entry in ClinVar:

NM_002911.4(UPF1):c.1946C>T (p.Pro649Leu)

Gene: UPF1 (UPF1 RNA helicase and ATPase; plus strand). Cytogenetic location: 19p13.11.
Variant type: single nucleotide variant.
Coding change: c.1946C>T on transcript NM_002911.4 (MANE Select); coding-DNA position 1946, C replaced by T.
Protein change: p.Pro649Leu; replaces proline 649 with leucine.
Molecular consequence: missense variant.
Genome position (GRCh38, 1-based): chr19:18,856,998, C>T. VCF-style: chr19-18856998-C-T. GRCh37 (hg19) VCF-style: chr19-18967807-C-T.
Other names: c.1979C>T, p.Pro660Leu (NM_001297549.2); short protein forms P660L, P649L.
Identifiers: ClinVar variation 4055986 (VCV004055986.1).
Genomic context (GRCh38, chr19:18,856,998, plus strand): 5'-AGTTCCGCTCCATTTTAATCGACGAAAGCACCCAGGCCACCGAGCCGGAGTGCATGGTTC[C>T]CGTGGTCCTCGGGGCCAAGCAGGTGGGCTGCCTCCCCTGCCCTCCTGTGTGAAAACTCGT-3'
Protein context (NP_002902.2, residues 639-659): TQATEPECMV[Pro649Leu]VVLGAKQLIL

ClinVar aggregate classification (germline): Uncertain significance (1 of 4 stars; one submission).

Submission:

GeneDx
Classification: Uncertain significance. Last evaluated: 2025-01-05. Review status: criteria provided, single submitter. Criteria: GeneDx Variant Classification Process June 2021. Collection method: clinical testing. Allele origin: germline. Affected: yes.
Comment: Not observed at significant frequency in large population cohorts (gnomAD); In silico analysis supports that this missense variant has a deleterious effect on protein structure/function; Has not been previously published as pathogenic or benign to our knowledge